The following is an entry in ClinVar:

ClinVar aggregate classification (germline): Uncertain significance (1 of 4 stars; one submission).

Conditions:
Charcot-Marie-Tooth disease axonal type 2O. Also called: CHARCOT-MARIE-TOOTH NEUROPATHY, AXONAL, TYPE 2O; CHARCOT-MARIE-TOOTH DISEASE, AXONAL, AUTOSOMAL DOMINANT, TYPE 2O; Charcot-Marie-Tooth Neuropathy Type 2O; Charcot-Marie-Tooth disease, axonal, type 20. Identifiers: Orphanet 284232, MedGen C3280220, MONDO:0013644, OMIM 614228.

Submission:

Labcorp Genetics (formerly Invitae), Labcorp
Classification: Uncertain significance for Charcot-Marie-Tooth disease axonal type 2O. Last evaluated: 2023-08-10. Review status: criteria provided, single submitter. Criteria: Invitae Variant Classification Sherloc (09022015). Collection method: clinical testing. Allele origin: germline.
Comment: Advanced modeling of protein sequence and biophysical properties (such as structural, functional, and spatial information, amino acid conservation, physicochemical variation, residue mobility, and thermodynamic stability) performed at Invitae indicates that this missense variant is not expected to disrupt DYNC1H1 protein function. In summary, the available evidence is currently insufficient to determine the role of this variant in disease. Therefore, it has been classified as a Variant of Uncertain Significance. This variant has not been reported in the literature in individuals affected with DYNC1H1-related conditions. This sequence change replaces proline, which is neutral and non-polar, with alanine, which is neutral and non-polar, at codon 4024 of the DYNC1H1 protein (p.Pro4024Ala). This variant is not present in population databases (gnomAD no frequency).

NM_001376.5(DYNC1H1):c.12070C>G (p.Pro4024Ala)

Gene: DYNC1H1 (dynein cytoplasmic 1 heavy chain 1; plus strand). Cytogenetic location: 14q32.31.
Variant type: single nucleotide variant.
Coding change: c.12070C>G on transcript NM_001376.5 (MANE Select); coding-DNA position 12070, C replaced by G.
Protein change: p.Pro4024Ala; replaces proline 4024 with alanine.
Molecular consequence: missense variant.
Genome position (GRCh38, 1-based): chr14:102,041,702, C>G. VCF-style: chr14-102041702-C-G. GRCh37 (hg19) VCF-style: chr14-102508039-C-G.
Other names: short protein forms P4024A.
Identifiers: ClinVar variation 2810332 (VCV002810332.3), dbSNP rs2503856021, ClinGen allele CA391037980.